The following is an entry in ClinVar:

NM_004484.4(GPC3):c.967C>T (p.Leu323Phe)

Gene: GPC3 (glypican 3; minus strand). Cytogenetic location: Xq26.2.
Variant type: single nucleotide variant.
Coding change: c.967C>T on transcript NM_004484.4 (MANE Select); coding-DNA position 967, C replaced by T.
Protein change: p.Leu323Phe; replaces leucine 323 with phenylalanine.
Molecular consequence: missense variant.
Genome position (GRCh38, 1-based): chrX:133,753,547, G>A on the plus strand (C>T on the coding strand, the complement: GPC3 is on the minus strand). VCF-style: chrX-133753547-G-A. GRCh37 (hg19) VCF-style: chrX-132887574-G-A.
Other names: c.967C>T, p.Leu323Phe (NM_001164617.2); c.919C>T, p.Leu307Phe (NM_001164618.2); c.805C>T, p.Leu269Phe (NM_001164619.2); short protein forms L269F, L307F, L323F.
Identifiers: ClinVar variation 1023255 (VCV001023255.10), dbSNP rs1488891852, ClinGen allele CA414705146.

ClinVar aggregate classification (germline): Uncertain significance. Review status: criteria provided, multiple submitters, no conflicts (2 of 4 stars). 2 submissions from 2 submitters: Uncertain significance (2). Last evaluated 2025-02-18.

Conditions:
Wilms tumor 1 (WT1). Also called: Wilms tumor, somatic. Identifiers: Orphanet 654, MedGen CN033288, MONDO:0008679, OMIM 194070.

Allele frequency attached by ClinVar (database versions not stated): gnomAD exomes below 0.00001 and 0.00001.
gnomAD v4.1: 2 of 1,210,363 alleles (0.00017%); highest among the groups gnomAD compares: South Asian, 0.0018%; no homozygotes.

Submissions (2):

Women's Health and Genetics/Laboratory Corporation of America, LabCorp
Classification: Uncertain significance. Last evaluated: 2025-02-18. Review status: criteria provided, single submitter. Criteria: LabCorp Variant Classification Summary - May 2015. Collection method: clinical testing. Allele origin: germline.
Comment: Variant summary: GPC3 c.967C>T (p.Leu323Phe) results in a non-conservative amino acid change in the encoded protein sequence. Three of five in-silico tools predict a damaging effect of the variant on protein function. The variant allele was found at a frequency of 5.5e-06 in 183312 control chromosomes (gnomAD). The available data on variant occurrences in the general population are insufficient to allow any conclusion about variant significance. To our knowledge, no occurrence of c.967C>T in individuals affected with Simpson-Golabi-Behmel Syndrome, Type 1 and no experimental evidence demonstrating its impact on protein function have been reported. ClinVar contains an entry for this variant (Variation ID: 1023255). Based on the evidence outlined above, the variant was classified as uncertain significance.

Labcorp Genetics (formerly Invitae), Labcorp
Classification: Uncertain significance for Wilms tumor 1. Last evaluated: 2022-09-01. Review status: criteria provided, single submitter. Criteria: Invitae Variant Classification Sherloc (09022015). Collection method: clinical testing. Allele origin: germline.
Comment: Algorithms developed to predict the effect of missense changes on protein structure and function are either unavailable or do not agree on the potential impact of this missense change (SIFT: "Deleterious"; PolyPhen-2: "Probably Damaging"; Align-GVGD: "Class C15"). ClinVar contains an entry for this variant (Variation ID: 1023255). This variant has not been reported in the literature in individuals affected with GPC3-related conditions. The frequency data for this variant in the population databases is considered unreliable, as metrics indicate poor data quality at this position in the gnomAD database. This sequence change replaces leucine, which is neutral and non-polar, with phenylalanine, which is neutral and non-polar, at codon 323 of the GPC3 protein (p.Leu323Phe). In summary, the available evidence is currently insufficient to determine the role of this variant in disease. Therefore, it has been classified as a Variant of Uncertain Significance.